The following is an entry in ClinVar:

ClinVar aggregate classification (germline): Uncertain significance (1 of 4 stars; one submission).

Allele frequency attached by ClinVar (database versions not stated): gnomAD exomes 0.00001; gnomAD 0.00002; TOPMed 0.00002.
gnomAD v4.1: 12 of 1,613,870 alleles (0.00074%); highest among the groups gnomAD compares: South Asian, 0.0011%; no homozygotes.

Submission:

Labcorp Genetics (formerly Invitae), Labcorp
Classification: Uncertain significance. Last evaluated: 2022-07-30. Review status: criteria provided, single submitter. Criteria: Invitae Variant Classification Sherloc (09022015). Collection method: clinical testing. Allele origin: germline.
Comment: This sequence change affects codon 1519 of the CCDC88A mRNA. It is a 'silent' change, meaning that it does not change the encoded amino acid sequence of the CCDC88A protein. In summary, the available evidence is currently insufficient to determine the role of this variant in disease. Therefore, it has been classified as a Variant of Uncertain Significance. Algorithms developed to predict the effect of sequence changes on RNA splicing suggest that this variant may create or strengthen a splice site. This variant has not been reported in the literature in individuals affected with CCDC88A-related conditions. This variant is present in population databases (no rsID available, gnomAD 0.0009%).

NM_001365480.1(CCDC88A):c.4560G>A (p.Thr1520=)

Gene: CCDC88A (coiled-coil and HOOK domain protein 88A; minus strand). Cytogenetic location: 2p16.1.
Variant type: single nucleotide variant.
Coding change: c.4560G>A on transcript NM_001365480.1 (MANE Select); coding-DNA position 4560, G replaced by A.
Protein change: p.Thr1520=; no amino-acid change (threonine 1520 retained).
Molecular consequence: synonymous variant.
Genome position (GRCh38, 1-based): chr2:55,301,984, C>T on the plus strand (G>A on the coding strand, the complement: CCDC88A is on the minus strand). VCF-style: chr2-55301984-C-T. GRCh37 (hg19) VCF-style: chr2-55529120-C-T.
Other names: c.4557G>A, p.Thr1519= (NM_001135597.2, NM_001254943.2); c.4476G>A, p.Thr1492= (NM_018084.5).
Identifiers: ClinVar variation 1939470 (VCV001939470.5), dbSNP rs893410705, ClinGen allele CA47624912.